The following is an entry in ClinVar:

NM_001371623.1(TCOF1):c.4409_4410del (p.Asp1469_Ser1470insTer)

Gene: TCOF1 (treacle ribosome biogenesis factor 1; plus strand). Cytogenetic location: 5q32.
Variant type: Deletion.
Coding change: c.4409_4410del on transcript NM_001371623.1 (MANE Select); coding-DNA positions 4409 to 4410, 2 bases deleted (CT; older notation c.4409_4410delCT).
Protein change: p.Asp1469_Ser1470insTer.
Molecular consequence: nonsense.
Genome position (GRCh38, 1-based): chr5:150,398,417-150,398,418, CT deleted; deleting any 2 consecutive bases within chr5:150,398,416-150,398,418 gives the same sequence; the c. name uses the placement nearest the transcript's 3' end. VCF-style (leftmost placement, unchanged base first): chr5-150398415-TTC-T. GRCh37 (hg19) VCF-style: chr5-149777978-TTC-T.
Other names: c.4406_4407delCT (NM_001135243.1); c.4175_4176del, p.Asp1391_Ser1392insTer (NM_000356.4); c.4406_4407del, p.Asp1468_Ser1469insTer (NM_001135243.2); c.4295_4296del, p.Asp1431_Ser1432insTer (NM_001135244.2); c.4178_4179del, p.Asp1392_Ser1393insTer (NM_001135245.2); c.4292_4293del, p.Asp1430_Ser1431insTer (NM_001195141.2).
Identifiers: ClinVar variation 477619 (VCV000477619.11), dbSNP rs1554081168, ClinGen allele CA658657564.

ClinVar aggregate classification (germline): Pathogenic (1 of 4 stars; one submission).

Conditions:
Treacher Collins syndrome 1 (TCS1). Also called: TCOF1-Related Treacher Collins Syndrome. Identifiers: Orphanet 861, MedGen CN315775, MONDO:0007944, OMIM 154500.

Submission:

Labcorp Genetics (formerly Invitae), Labcorp
Classification: Pathogenic for Treacher Collins syndrome 1. Last evaluated: 2020-10-19. Review status: criteria provided, single submitter. Criteria: Invitae Variant Classification Sherloc (09022015). Collection method: clinical testing. Allele origin: germline.
Comment: Loss-of-function variants in TCOF1 are known to be pathogenic (PMID: 8894686, 22317976). This variant has been observed in individual(s) with clinical features of Treacher-Collins syndrome (Invitae). ClinVar contains an entry for this variant (Variation 477619). This variant is not present in population databases (ExAC no frequency). This sequence change creates a premature translational stop signal (p.Ser1469*) in the TCOF1 gene. It is expected to result in an absent or disrupted protein product. For these reasons, this variant has been classified as Pathogenic.

Literature cited by the submitters: PubMed 8894686; PubMed 22317976.